The following is an entry in ClinVar:

ClinVar aggregate classification (germline): Uncertain significance (1 of 4 stars; one submission).

Conditions:
Loeys-Dietz syndrome 2 (LDS2). Also called: TGFBR2-Related Loeys-Dietz Syndrome; Marfan syndrome, type 2 (formerly); AORTIC ANEURYSM, FAMILIAL THORACIC 3; MARFAN SYNDROME, TYPE II; Marfan Syndrome type 2; Marfan like connective tissue disorder. Identifiers: Orphanet 284973, Orphanet 558, MedGen C2674574, MONDO:0012427, OMIM 610168.

gnomAD v4.1: 2 of 1,614,018 alleles (0.00012%); highest among the groups gnomAD compares: Non-Finnish European, 0.00017%; no homozygotes.

Submission:

Labcorp Genetics (formerly Invitae), Labcorp
Classification: Uncertain significance for Loeys-Dietz syndrome 2. Last evaluated: 2024-02-11. Review status: criteria provided, single submitter. Criteria: Invitae Variant Classification Sherloc (09022015). Collection method: clinical testing. Allele origin: germline.
Comment: This sequence change replaces isoleucine, which is neutral and non-polar, with threonine, which is neutral and polar, at codon 408 of the TMPO protein (p.Ile408Thr). This variant is present in population databases (no rsID available, gnomAD 0.007%). This variant has not been reported in the literature in individuals affected with TMPO-related conditions. Advanced modeling of protein sequence and biophysical properties (such as structural, functional, and spatial information, amino acid conservation, physicochemical variation, residue mobility, and thermodynamic stability) performed at Invitae indicates that this missense variant is not expected to disrupt TMPO protein function with a negative predictive value of 80%. In summary, the available evidence is currently insufficient to determine the role of this variant in disease. Therefore, it has been classified as a Variant of Uncertain Significance.

NM_001032283.3(TMPO):c.565+1642T>C

Gene: TMPO (thymopoietin; plus strand). Cytogenetic location: 12q23.1.
Variant type: single nucleotide variant.
Coding change: c.565+1642T>C on transcript NM_001032283.3 (MANE Select); 1642 bases into the intron after coding-DNA position 565, T replaced by C.
Molecular consequence: intron variant. On other transcripts: missense variant (1).
Genome position (GRCh38, 1-based): chr12:98,533,480, T>C. VCF-style: chr12-98533480-T-C. GRCh37 (hg19) VCF-style: chr12-98927258-T-C.
Other names: c.1223T>C, p.Ile408Thr (NM_003276.2); c.565+1642T>C (NM_001307975.2, NM_001032284.3); short protein forms I408T.
Identifiers: ClinVar variation 3630670 (VCV003630670.2).
Genomic context (GRCh38, chr12:98,533,480, plus strand): 5'-GTGGGGTAGGTAGTTTGCCTGGAACTTCTAACTCTATGCCCCCACTGGATGTAGAAAACA[T>C]ACAGAAGAGAATTGATCAGTCTAAGTTTCAAGAAACTGAATTCCTGTCTCCTCCAAGAAA-3'